The following is an entry in ClinVar:

NM_001371623.1(TCOF1):c.25G>T (p.Glu9Ter)

Genes: TCOF1 (treacle ribosome biogenesis factor 1; plus strand), LOC129994985 (ATAC-STARR-seq lymphoblastoid silent region 16507; plus strand). Cytogenetic location: 5q32.
Variant type: single nucleotide variant.
Coding change: c.25G>T on transcript NM_001371623.1 (MANE Select); coding-DNA position 25, G replaced by T.
Protein change: p.Glu9Ter; replaces glutamic acid 9 with a stop codon.
Molecular consequence: nonsense.
Genome position (GRCh38, 1-based): chr5:150,357,771, G>T. VCF-style: chr5-150357771-G-T. GRCh37 (hg19) VCF-style: chr5-149737334-G-T.
Other names: c.25G>T, p.Glu9Ter (NM_000356.4, NM_001008657.3, NM_001135243.2 and 3 more transcripts); short protein forms E9*.
Identifiers: ClinVar variation 938964 (VCV000938964.1), dbSNP rs1758946466, ClinGen allele CA361725673.

ClinVar aggregate classification (germline): Pathogenic (1 of 4 stars; one submission).

Conditions:
Treacher Collins syndrome 1 (TCS1). Also called: TCOF1-Related Treacher Collins Syndrome. Identifiers: Orphanet 861, MedGen CN315775, MONDO:0007944, OMIM 154500.

Submission:

Labcorp Genetics (formerly Invitae), Labcorp
Classification: Pathogenic for Treacher Collins syndrome 1. Last evaluated: 2019-07-16. Review status: criteria provided, single submitter. Criteria: Invitae Variant Classification Sherloc (09022015). Collection method: clinical testing. Allele origin: germline.
Comment: This sequence change creates a premature translational stop signal (p.Glu9*) in the TCOF1 gene. It is expected to result in an absent or disrupted protein product. This variant is not present in population databases (ExAC no frequency). This variant has not been reported in the literature in individuals with TCOF1-related conditions. Algorithms developed to predict the effect of sequence changes on RNA splicing suggest that this variant may create or strengthen a splice site, but this prediction has not been confirmed by published transcriptional studies. Loss-of-function variants in TCOF1 are known to be pathogenic (PMID: 8894686, 22317976). For these reasons, this variant has been classified as Pathogenic.